The following is an entry in ClinVar:

NM_000179.3(MSH6):c.1435A>G (p.Lys479Glu)

Gene: MSH6 (mutS homolog 6; plus strand). Cytogenetic location: 2p16.3.
Variant type: single nucleotide variant.
Coding change: c.1435A>G on transcript NM_000179.3 (MANE Select); coding-DNA position 1435, A replaced by G.
Protein change: p.Lys479Glu; replaces lysine 479 with glutamic acid.
Molecular consequence: missense variant. On other transcripts: non-coding transcript variant (4), intron variant (1).
Genome position (GRCh38, 1-based): chr2:47,799,418, A>G. VCF-style: chr2-47799418-A-G. GRCh37 (hg19) VCF-style: chr2-48026557-A-G.
Other names: c.1138A>G, p.Lys380Glu (NM_001406805.1, NM_001406825.1, NM_001406827.1 and 10 more transcripts); c.910A>G, p.Lys304Glu (NM_001406806.1, NM_001406807.1, NM_001406799.1); c.1435A>G, p.Lys479Glu (NM_001406808.1, NM_001406809.1, NM_001406796.1 and 4 more transcripts); c.529A>G, p.Lys177Glu (NM_001406811.1, NM_001406812.1, NM_001406814.1 and 6 more transcripts); c.1441A>G, p.Lys481Glu (NM_001406813.1); c.1267A>G, p.Lys423Glu (NM_001406826.1); c.628-1248A>G (NM_001407362.1); c.1045A>G, p.Lys349Glu (NM_001281492.2); and 2 more; short protein forms K177E, K304E, K349E, K380E, K423E, K453E, K479E, K481E.
Identifiers: ClinVar variation 2498820 (VCV002498820.31), dbSNP rs2104343819, ClinGen allele CA346745555.
Genomic context (GRCh38, chr2:47,799,418, plus strand): 5'-TCTGGCTTTCCTGAAATTGCATTTGGCCGTTATTCAGATTCCCTGGTGCAGAAGGGCTAT[A>G]AAGTAGCACGAGTGGAACAGACTGAGACTCCAGAAATGATGGAGGCACGATGTAGAAAGA-3'
Protein context (NP_000170.1, residues 469-489): YSDSLVQKGY[Lys479Glu]VARVEQTETP

ClinVar aggregate classification (germline): Uncertain significance. Review status: criteria provided, multiple submitters, no conflicts (2 of 4 stars). 2 submissions from 2 submitters: Uncertain significance (2). Last evaluated 2023-06-16.

Conditions:
Hereditary nonpolyposis colorectal neoplasms. Identifiers: MedGen C0009405, MeSH D003123.

Submissions (2):

Labcorp Genetics (formerly Invitae), Labcorp
Classification: Uncertain significance for Hereditary nonpolyposis colorectal neoplasms. Last evaluated: 2023-06-16. Review status: criteria provided, single submitter. Criteria: Invitae Variant Classification Sherloc (09022015). Collection method: clinical testing. Allele origin: germline.
Comment: In summary, the available evidence is currently insufficient to determine the role of this variant in disease. Therefore, it has been classified as a Variant of Uncertain Significance. Advanced modeling of protein sequence and biophysical properties (such as structural, functional, and spatial information, amino acid conservation, physicochemical variation, residue mobility, and thermodynamic stability) performed at Invitae indicates that this missense variant is expected to disrupt MSH6 protein function. ClinVar contains an entry for this variant (Variation ID: 2498820). This variant has not been reported in the literature in individuals affected with MSH6-related conditions. This variant is not present in population databases (gnomAD no frequency). This sequence change replaces lysine, which is basic and polar, with glutamic acid, which is acidic and polar, at codon 479 of the MSH6 protein (p.Lys479Glu).

CeGaT Center for Human Genetics Tuebingen
Classification: Uncertain significance. Last evaluated: 2023-03-01. Review status: criteria provided, single submitter. Criteria: CeGaT Center For Human Genetics Tuebingen Variant Classification Criteria Version 2. Collection method: clinical testing. Allele origin: germline. Affected: yes. Observed: 1 variant allele.
Comment: MSH6: PM2, PS2:Moderate, PP3